The following is an entry in ClinVar:

NM_145290.4(ADGRA3):c.2912A>G (p.Asn971Ser)

Gene: ADGRA3 (adhesion G protein-coupled receptor A3; minus strand). Cytogenetic location: 4p15.2.
Variant type: single nucleotide variant.
Coding change: c.2912A>G on transcript NM_145290.4 (MANE Select); coding-DNA position 2912, A replaced by G.
Protein change: p.Asn971Ser; replaces asparagine 971 with serine.
Molecular consequence: missense variant.
Genome position (GRCh38, 1-based): chr4:22,388,759, T>C on the plus strand (A>G on the coding strand, the complement: ADGRA3 is on the minus strand). VCF-style: chr4-22388759-T-C. GRCh37 (hg19) VCF-style: chr4-22390382-T-C.
Other names: short protein forms N971S.
Identifiers: ClinVar variation 1431271 (VCV001431271.6), dbSNP rs372378305, ClinGen allele CA93481099.

ClinVar aggregate classification (germline): Uncertain significance (1 of 4 stars; one submission).

Allele frequency attached by ClinVar (database versions not stated): gnomAD exomes below 0.00001 and 0.00001; gnomAD 0.00001; TOPMed 0.00003; ESP Exome Variant Server 0.00008.
gnomAD v4.1: 11 of 1,613,980 alleles (0.00068%); highest among the groups gnomAD compares: Non-Finnish European, 0.00093%; no homozygotes.

Submission:

Labcorp Genetics (formerly Invitae), Labcorp
Classification: Uncertain significance. Last evaluated: 2023-05-16. Review status: criteria provided, single submitter. Criteria: Invitae Variant Classification Sherloc (09022015). Collection method: clinical testing. Allele origin: germline.
Comment: This sequence change replaces asparagine, which is neutral and polar, with serine, which is neutral and polar, at codon 971 of the ADGRA3 protein (p.Asn971Ser). This variant is present in population databases (rs372378305, gnomAD 0.002%). This variant has not been reported in the literature in individuals affected with ADGRA3-related conditions. ClinVar contains an entry for this variant (Variation ID: 1431271). Algorithms developed to predict the effect of missense changes on protein structure and function output the following: SIFT: "Not Available"; PolyPhen-2: "Benign"; Align-GVGD: "Not Available". The serine amino acid residue is found in multiple mammalian species, which suggests that this missense change does not adversely affect protein function. In summary, the available evidence is currently insufficient to determine the role of this variant in disease. Therefore, it has been classified as a Variant of Uncertain Significance.